The following is an entry in ClinVar:

ClinVar aggregate classification (germline): Likely benign (0 of 4 stars; one submission).

Conditions:
NUP160-related disorder. Also called: NUP160-related condition.

gnomAD v4.1: 30 of 1,614,074 alleles (0.0019%); highest among the groups gnomAD compares: Middle Eastern, 0.033%; no homozygotes.

Submission:

PreventionGenetics, part of Exact Sciences
Classification: Likely benign for NUP160-related condition. Last evaluated: 2024-07-25. Review status: no assertion criteria provided. Collection method: clinical testing. Allele origin: germline.
Comment: This variant is classified as likely benign based on ACMG/AMP sequence variant interpretation guidelines (Richards et al. 2015 PMID: 25741868, with internal and published modifications).

NM_015231.3(NUP160):c.2457T>C (p.Asn819=)

Gene: NUP160 (nucleoporin 160; minus strand). Cytogenetic location: 11p11.2.
Variant type: single nucleotide variant.
Coding change: c.2457T>C on transcript NM_015231.3 (MANE Select); coding-DNA position 2457, T replaced by C.
Protein change: p.Asn819=; no amino-acid change (asparagine 819 retained).
Molecular consequence: synonymous variant. On other transcripts: non-coding transcript variant (1).
Genome position (GRCh38, 1-based): chr11:47,806,200, A>G on the plus strand (T>C on the coding strand, the complement: NUP160 is on the minus strand). VCF-style: chr11-47806200-A-G. GRCh37 (hg19) VCF-style: chr11-47827752-A-G.
Identifiers: ClinVar variation 3357713 (VCV003357713.1).